The following is an entry in ClinVar:

NM_000642.3(AGL):c.1784G>A (p.Arg595Gln)

Gene: AGL (amylo-alpha-1,6-glucosidase and 4-alpha-glucanotransferase; plus strand). Cytogenetic location: 1p21.2.
Variant type: single nucleotide variant.
Coding change: c.1784G>A on transcript NM_000642.3 (MANE Select); coding-DNA position 1784, G replaced by A.
Protein change: p.Arg595Gln; replaces arginine 595 with glutamine.
Molecular consequence: missense variant.
Genome position (GRCh38, 1-based): chr1:99,880,680, G>A. VCF-style: chr1-99880680-G-A. GRCh37 (hg19) VCF-style: chr1-100346236-G-A.
Other names: c.1784G>A, p.Arg595Gln (NM_000028.3, NM_000643.3, NM_000644.3 and 2 more transcripts); c.1736G>A, p.Arg579Gln (NM_000646.3); c.1583G>A, p.Arg528Gln (NM_001425327.1); c.1580G>A, p.Arg527Gln (NM_001425328.1, NM_001425329.1); c.1406G>A, p.Arg469Gln (NM_001425332.1); short protein forms R469Q, R527Q, R528Q, R579Q, R595Q.
Identifiers: ClinVar variation 4077855 (VCV004077855.2).

ClinVar aggregate classification (germline): Uncertain significance. Review status: criteria provided, multiple submitters, no conflicts (2 of 4 stars). 2 submissions from 2 submitters: Uncertain significance (2). Last evaluated 2025-11-01.

Conditions:
Glycogen storage disease type III (GSD3). Also called: FORBES DISEASE; Cori disease. Identifiers: Orphanet 366, MedGen C0017922, MONDO:0009291, OMIM 232400.

gnomAD v4.1: 3 of 1,614,044 alleles (0.00019%); highest among the groups gnomAD compares: Non-Finnish European, 0.00017%; no homozygotes.

Submissions (2):

Labcorp Genetics (formerly Invitae), Labcorp
Classification: Uncertain significance for Glycogen storage disease type III. Last evaluated: 2025-11-01. Review status: criteria provided, single submitter. Criteria: Invitae Variant Classification Sherloc (09022015). Collection method: clinical testing. Allele origin: germline.
Comment: This sequence change replaces arginine, which is basic and polar, with glutamine, which is neutral and polar, at codon 595 of the AGL protein (p.Arg595Gln). This variant is present in population databases (rs753015481, gnomAD 0.004%). This variant has not been reported in the literature in individuals affected with AGL-related conditions. ClinVar contains an entry for this variant (Variation ID: 4077855). Invitae Evidence Modeling of protein sequence and biophysical properties (such as structural, functional, and spatial information, amino acid conservation, physicochemical variation, residue mobility, and thermodynamic stability) indicates that this missense variant is not expected to disrupt AGL protein function with a negative predictive value of 80%. In summary, the available evidence is currently insufficient to determine the role of this variant in disease. Therefore, it has been classified as a Variant of Uncertain Significance.

Revvity Omics, Revvity
Classification: Uncertain significance for Glycogen storage disease type III. Last evaluated: 2023-09-14. Review status: criteria provided, single submitter. Criteria: ACMG Guidelines, 2015. Collection method: clinical testing. Allele origin: germline.